The following is an entry in ClinVar:

NM_022437.3(ABCG8):c.542A>G (p.Gln181Arg)

Gene: ABCG8 (ATP binding cassette subfamily G member 8; plus strand). Cytogenetic location: 2p21.
Variant type: single nucleotide variant.
Coding change: c.542A>G on transcript NM_022437.3 (MANE Select); coding-DNA position 542, A replaced by G.
Protein change: p.Gln181Arg; replaces glutamine 181 with arginine.
Molecular consequence: missense variant.
Genome position (GRCh38, 1-based): chr2:43,851,803, A>G. VCF-style: chr2-43851803-A-G. GRCh37 (hg19) VCF-style: chr2-44078942-A-G.
Other names: c.542A>G, p.Gln181Arg (NM_001357321.2); short protein forms Q181R.
Identifiers: ClinVar variation 2565412 (VCV002565412.2), dbSNP rs1318444252, ClinGen allele CA346665583.

ClinVar aggregate classification (germline): Uncertain significance (1 of 4 stars; one submission).

Conditions:
Cardiovascular phenotype. Identifiers: MedGen CN230736.

Allele frequency attached by ClinVar (database versions not stated): gnomAD exomes below 0.00001.
gnomAD v4.1: 3 of 1,614,174 alleles (0.00019%); highest among the groups gnomAD compares: Non-Finnish European, 0.00025%; no homozygotes.

Submission:

Ambry Genetics
Classification: Uncertain significance for Cardiovascular phenotype. Last evaluated: 2023-06-09. Review status: criteria provided, single submitter. Criteria: Ambry Variant Classification Scheme 2023. Collection method: clinical testing. Allele origin: germline.
Comment: The p.Q181R variant (also known as c.542A>G), located in coding exon 4 of the ABCG8 gene, results from an A to G substitution at nucleotide position 542. The glutamine at codon 181 is replaced by arginine, an amino acid with highly similar properties. This amino acid position is conserved. In addition, this alteration is predicted to be tolerated by in silico analysis. Since supporting evidence is limited at this time, the clinical significance of this alteration remains unclear.